The following is an entry in ClinVar:

ClinVar aggregate classification (germline): Uncertain significance (1 of 4 stars; one submission).

Submission:

Labcorp Genetics (formerly Invitae), Labcorp
Classification: Uncertain significance. Last evaluated: 2025-11-24. Review status: criteria provided, single submitter. Criteria: Invitae Variant Classification Sherloc (09022015). Collection method: clinical testing. Allele origin: germline.
Comment: This sequence change replaces glycine, which is neutral and non-polar, with serine, which is neutral and polar, at codon 285 of the MMP14 protein (p.Gly285Ser). This variant is not present in population databases (gnomAD no frequency). This variant has not been reported in the literature in individuals affected with MMP14-related conditions. ClinVar contains an entry for this variant (Variation ID: 2086269). An algorithm developed to predict the effect of missense changes on protein structure and function outputs the following: PolyPhen-2: "Benign". The serine amino acid residue is found in multiple mammalian species, which suggests that this missense change does not adversely affect protein function. In summary, the available evidence is currently insufficient to determine the role of this variant in disease. Therefore, it has been classified as a Variant of Uncertain Significance.

NM_004995.4(MMP14):c.853G>A (p.Gly285Ser)

Gene: MMP14 (matrix metallopeptidase 14; plus strand). Cytogenetic location: 14q11.2.
Variant type: single nucleotide variant.
Coding change: c.853G>A on transcript NM_004995.4 (MANE Select); coding-DNA position 853, G replaced by A.
Protein change: p.Gly285Ser; replaces glycine 285 with serine.
Molecular consequence: missense variant.
Genome position (GRCh38, 1-based): chr14:22,843,712, G>A. VCF-style: chr14-22843712-G-A. GRCh37 (hg19) VCF-style: chr14-23312921-G-A.
Other names: short protein forms G285S.
Identifiers: ClinVar variation 2086269 (VCV002086269.4), dbSNP rs1181687314, ClinGen allele CA388931196.